The following is an entry in ClinVar:

NM_001278512.2(AP3B2):c.1588T>C (p.Phe530Leu)

Genes: AP3B2 (adaptor related protein complex 3 subunit beta 2; minus strand), CPEB1-AS1 (CPEB1 antisense RNA 1; plus strand). Cytogenetic location: 15q25.2.
Variant type: single nucleotide variant.
Coding change: c.1588T>C on transcript NM_001278512.2 (MANE Select); coding-DNA position 1588, T replaced by C.
Protein change: p.Phe530Leu; replaces phenylalanine 530 with leucine.
Molecular consequence: missense variant.
Genome position (GRCh38, 1-based): chr15:82,676,538, A>G on the plus strand (T>C on the coding strand, the complement: AP3B2 is on the minus strand). VCF-style: chr15-82676538-A-G. GRCh37 (hg19) VCF-style: chr15-83345290-A-G.
Other names: c.1492T>C, p.Phe498Leu (NM_001278511.2); c.1588T>C, p.Phe530Leu (NM_004644.5); short protein forms F530L, F498L.
Identifiers: ClinVar variation 1509449 (VCV001509449.4), dbSNP rs1375033006, ClinGen allele CA393315189.

ClinVar aggregate classification (germline): Uncertain significance (1 of 4 stars; one submission).

Allele frequency attached by ClinVar (database versions not stated): gnomAD exomes below 0.00001; TOPMed below 0.00001; gnomAD 0.00001.
gnomAD v4.1: 2 of 1,613,870 alleles (0.00012%); highest among the groups gnomAD compares: African/African-American, 0.0013%; no homozygotes.

Submission:

Labcorp Genetics (formerly Invitae), Labcorp
Classification: Uncertain significance. Last evaluated: 2024-05-29. Review status: criteria provided, single submitter. Criteria: Invitae Variant Classification Sherloc (09022015). Collection method: clinical testing. Allele origin: germline.
Comment: This sequence change replaces phenylalanine, which is neutral and non-polar, with leucine, which is neutral and non-polar, at codon 530 of the AP3B2 protein (p.Phe530Leu). This variant is not present in population databases (gnomAD no frequency). This variant has not been reported in the literature in individuals affected with AP3B2-related conditions. ClinVar contains an entry for this variant (Variation ID: 1509449). An algorithm developed to predict the effect of missense changes on protein structure and function (PolyPhen-2) suggests that this variant is likely to be disruptive. In summary, the available evidence is currently insufficient to determine the role of this variant in disease. Therefore, it has been classified as a Variant of Uncertain Significance.